The following is an entry in ClinVar:

NM_002470.4(MYH3):c.1233C>T (p.Tyr411=)

Gene: MYH3 (myosin heavy chain 3; minus strand). Cytogenetic location: 17p13.1.
Variant type: single nucleotide variant.
Coding change: c.1233C>T on transcript NM_002470.4 (MANE Select); coding-DNA position 1233, C replaced by T.
Protein change: p.Tyr411=; no amino-acid change (tyrosine 411 retained).
Molecular consequence: synonymous variant.
Genome position (GRCh38, 1-based): chr17:10,644,611, G>A on the plus strand (C>T on the coding strand, the complement: MYH3 is on the minus strand). VCF-style: chr17-10644611-G-A. GRCh37 (hg19) VCF-style: chr17-10547928-G-A.
Other names: c.1233C>T (NM_002470.3).
Identifiers: ClinVar variation 2726362 (VCV002726362.6), dbSNP rs376091685, ClinGen allele CA287789026.

ClinVar aggregate classification (germline): Likely benign. Review status: criteria provided, multiple submitters, no conflicts (2 of 4 stars). 3 submissions from 3 submitters: Likely benign (2). 1 of the submissions does not count toward it. Last evaluated 2026-01-26.

Conditions:
MYH3-related disorder. Also called: MYH3-related condition; MYH3-Related Disorders. Identifiers: MedGen CN239329.

Allele frequency attached by ClinVar (database versions not stated): gnomAD 0.00001; gnomAD exomes 0.00001; ESP Exome Variant Server 0.00008.
gnomAD v4.1: 19 of 1,613,982 alleles (0.0012%); highest among the groups gnomAD compares: East Asian, 0.0022%; no homozygotes.

Submissions (3):

Labcorp Genetics (formerly Invitae), Labcorp
Classification: Likely benign. Last evaluated: 2026-01-26. Review status: criteria provided, single submitter. Criteria: Invitae Variant Classification Sherloc (09022015). Collection method: clinical testing. Allele origin: germline.

Blueprint Genetics
Classification: Likely benign. Last evaluated: 2022-06-21. Review status: criteria provided, single submitter. Criteria: ACMG Guidelines, 2015. Collection method: clinical testing. Allele origin: germline.

PreventionGenetics, part of Exact Sciences
Classification: Likely benign for MYH3-related condition. Last evaluated: 2023-03-17. Review status: no assertion criteria provided. Collection method: clinical testing. Allele origin: germline. Not counted in ClinVar's aggregate classification.
Comment: This variant is classified as likely benign based on ACMG/AMP sequence variant interpretation guidelines (Richards et al. 2015 PMID: 25741868, with internal and published modifications).